The following is an entry in ClinVar:

NM_001363118.2(SLC52A2):c.328C>T (p.His110Tyr)

Gene: SLC52A2 (solute carrier family 52 member 2; plus strand). Cytogenetic location: 8q24.3.
Variant type: single nucleotide variant.
Coding change: c.328C>T on transcript NM_001363118.2 (MANE Select); coding-DNA position 328, C replaced by T.
Protein change: p.His110Tyr; replaces histidine 110 with tyrosine.
Molecular consequence: missense variant. On other transcripts: non-coding transcript variant (1), intron variant (1).
Genome position (GRCh38, 1-based): chr8:144,359,820, C>T. VCF-style: chr8-144359820-C-T. GRCh37 (hg19) VCF-style: chr8-145583480-C-T.
Other names: c.328C>T, p.His110Tyr (NM_001253815.2, NM_001253816.2, NM_001363120.2 and 2 more transcripts); c.131-295C>T (NM_001363122.2); short protein forms H110Y.
Identifiers: ClinVar variation 1014285 (VCV001014285.5), dbSNP rs1818711477, ClinGen allele CA372626850.

ClinVar aggregate classification (germline): Uncertain significance (1 of 4 stars; one submission).

Conditions:
Brown-Vialetto-van Laere syndrome 2. Also called: Riboflavin transporter deficiency type 2; SPINOCEREBELLAR ATAXIA WITH BLINDNESS AND DEAFNESS 2. Identifiers: Orphanet 572543, Orphanet 97229, MedGen C3553538, MONDO:0013867, OMIM 614707.

Submission:

Labcorp Genetics (formerly Invitae), Labcorp
Classification: Uncertain significance for Brown-Vialetto-van Laere syndrome 2. Last evaluated: 2020-06-30. Review status: criteria provided, single submitter. Criteria: Invitae Variant Classification Sherloc (09022015). Collection method: clinical testing. Allele origin: germline.
Comment: This sequence change replaces histidine with tyrosine at codon 110 of the SLC52A2 protein (p.His110Tyr). The histidine residue is moderately conserved and there is a moderate physicochemical difference between histidine and tyrosine. In summary, the available evidence is currently insufficient to determine the role of this variant in disease. Therefore, it has been classified as a Variant of Uncertain Significance. Algorithms developed to predict the effect of missense changes on protein structure and function output the following: SIFT: "Tolerated"; PolyPhen-2: "Benign"; Align-GVGD: "Class C0". The tyrosine amino acid residue is found in multiple mammalian species, suggesting that this missense change does not adversely affect protein function. These predictions have not been confirmed by published functional studies and their clinical significance is uncertain. This variant has not been reported in the literature in individuals with SLC52A2-related conditions. This variant is not present in population databases (ExAC no frequency).